The following is an entry in ClinVar:

NM_172364.5(CACNA2D4):c.865C>G (p.Pro289Ala)

Gene: CACNA2D4 (calcium voltage-gated channel auxiliary subunit alpha2delta 4; minus strand). Cytogenetic location: 12p13.33.
Variant type: single nucleotide variant.
Coding change: c.865C>G on transcript NM_172364.5 (MANE Select); coding-DNA position 865, C replaced by G.
Protein change: p.Pro289Ala; replaces proline 289 with alanine.
Molecular consequence: missense variant.
Genome position (GRCh38, 1-based): chr12:1,886,351, G>C on the plus strand (C>G on the coding strand, the complement: CACNA2D4 is on the minus strand). VCF-style: chr12-1886351-G-C. GRCh37 (hg19) VCF-style: chr12-1995517-G-C.
Other names: short protein forms P289A.
Identifiers: ClinVar variation 2111937 (VCV002111937.4), dbSNP rs1225914710, ClinGen allele CA383360932.

ClinVar aggregate classification (germline): Uncertain significance (1 of 4 stars; one submission).

gnomAD v4.1: 1 of 1,613,890 alleles (0.000062%); highest among the groups gnomAD compares: Admixed American, 0.0017%; no homozygotes.

Submission:

Labcorp Genetics (formerly Invitae), Labcorp
Classification: Uncertain significance. Last evaluated: 2022-05-19. Review status: criteria provided, single submitter. Criteria: Invitae Variant Classification Sherloc (09022015). Collection method: clinical testing. Allele origin: germline.
Comment: In summary, the available evidence is currently insufficient to determine the role of this variant in disease. Therefore, it has been classified as a Variant of Uncertain Significance. Algorithms developed to predict the effect of missense changes on protein structure and function (SIFT, PolyPhen-2, Align-GVGD) all suggest that this variant is likely to be disruptive. This variant has not been reported in the literature in individuals affected with CACNA2D4-related conditions. This variant is not present in population databases (gnomAD no frequency). This sequence change replaces proline, which is neutral and non-polar, with alanine, which is neutral and non-polar, at codon 289 of the CACNA2D4 protein (p.Pro289Ala).